The following is an entry in ClinVar:

NM_031844.3(HNRNPU):c.1394C>T (p.Pro465Leu)

Gene: HNRNPU (heterogeneous nuclear ribonucleoprotein U; minus strand). Cytogenetic location: 1q44.
Variant type: single nucleotide variant.
Coding change: c.1394C>T on transcript NM_031844.3 (MANE Select); coding-DNA position 1394, C replaced by T.
Protein change: p.Pro465Leu; replaces proline 465 with leucine.
Molecular consequence: missense variant.
Genome position (GRCh38, 1-based): chr1:244,858,111, G>A on the plus strand (C>T on the coding strand, the complement: HNRNPU is on the minus strand). VCF-style: chr1-244858111-G-A. GRCh37 (hg19) VCF-style: chr1-245021413-G-A.
Other names: c.1337C>T, p.Pro446Leu (NM_004501.3); short protein forms P446L, P465L.
Identifiers: ClinVar variation 3621946 (VCV003621946.2).

ClinVar aggregate classification (germline): Uncertain significance (1 of 4 stars; one submission).

Conditions:
Developmental and epileptic encephalopathy, 54. Also called: Epileptic encephalopathy, early infantile, 54; HNRNPU-Related Neurodevelopmental Disorder. Identifiers: MedGen C4479319, MONDO:0033363, OMIM 617391.

gnomAD v4.1: 7 of 1,613,816 alleles (0.00043%); highest among the groups gnomAD compares: Non-Finnish European, 0.00059%; no homozygotes.

Submission:

Labcorp Genetics (formerly Invitae), Labcorp
Classification: Uncertain significance for Developmental and epileptic encephalopathy, 54. Last evaluated: 2024-12-03. Review status: criteria provided, single submitter. Criteria: Invitae Variant Classification Sherloc (09022015). Collection method: clinical testing. Allele origin: germline.
Comment: This sequence change replaces proline, which is neutral and non-polar, with leucine, which is neutral and non-polar, at codon 465 of the HNRNPU protein (p.Pro465Leu). This variant is present in population databases (rs375317302, gnomAD 0.0009%). This variant has not been reported in the literature in individuals affected with HNRNPU-related conditions. Invitae Evidence Modeling of protein sequence and biophysical properties (such as structural, functional, and spatial information, amino acid conservation, physicochemical variation, residue mobility, and thermodynamic stability) has been performed for this missense variant. However, the output from this modeling did not meet the statistical confidence thresholds required to predict the impact of this variant on HNRNPU protein function. In summary, the available evidence is currently insufficient to determine the role of this variant in disease. Therefore, it has been classified as a Variant of Uncertain Significance.